The following is an entry in ClinVar:

ClinVar aggregate classification (germline): Uncertain significance. Review status: criteria provided, multiple submitters, no conflicts (2 of 4 stars). 4 submissions from 4 submitters: Uncertain significance (4). Last evaluated 2026-01-29.

Conditions:
Inborn genetic diseases. Identifiers: MedGen C0950123, MeSH D030342.
Combined oxidative phosphorylation defect type 21. Also called: Combined oxidative phosphorylation deficiency 21. Identifiers: Orphanet 420733, MedGen C4706316, MONDO:0014398, OMIM 615918.

gnomAD v4.1: 232 of 1,609,470 alleles (0.014%); highest among the groups gnomAD compares: Non-Finnish European, 0.019%; no homozygotes.

Submissions (4):

GeneDx
Classification: Uncertain significance. Last evaluated: 2026-01-29. Review status: criteria provided, single submitter. Criteria: GeneDx Variant Classification Process June 2021. Collection method: clinical testing. Allele origin: germline.
Comment: Not observed at significant frequency in large population cohorts (gnomAD); In silico analysis supports that this missense variant has a deleterious effect on protein structure/function; Has not been previously published as pathogenic or benign to our knowledge

Ambry Genetics
Classification: Uncertain significance for Inborn genetic diseases. Last evaluated: 2025-11-20. Review status: criteria provided, single submitter. Criteria: Ambry Variant Classification Scheme 2023. Collection method: clinical testing. Allele origin: germline.

Revvity Omics, Revvity
Classification: Uncertain significance. Last evaluated: 2024-02-13. Review status: criteria provided, single submitter. Criteria: ACMG Guidelines, 2015. Collection method: clinical testing. Allele origin: germline.

Victorian Clinical Genetics Services, Murdoch Childrens Research Institute
Classification: Uncertain significance for Combined oxidative phosphorylation defect type 21. Last evaluated: 2020-05-21. Review status: criteria provided, single submitter. Criteria: ACMG Guidelines, 2015. Collection method: clinical testing. Allele origin: germline. Inheritance: Autosomal recessive inheritance.
Comment: A heterozygous missense variant was identified, NM_025150.4(TARS2):c.1312C>G in exon 11 of 18 of the TARS2 gene. This substitution is predicted to create a major amino acid change from an arginine to a glycine at position 438 of the protein; NP_079426.2(TARS2):p.(Arg438Gly). The arginine at this position has very high conservation (100 vertebrates, UCSC), and is located within the tRNA synthetase class II core domain (PDB, UniProt). In silico software predicts this variant to be damaging (Polyphen, SIFT, CADD, Mutation Taster). The variant is present in the gnomAD population database at a frequency of 0.0008% (2 heterozygotes, 0 homozygotes). Two alternative residue changes at the same location have been reported in the gnomAD database at a frequency of 0.004% and 0.002%. This variant has not previously been reported in clinical cases. Based on information available at the time of curation, this variant has been classified as a VUS.

NM_025150.5(TARS2):c.1312C>G (p.Arg438Gly)

Gene: TARS2 (threonyl-tRNA synthetase 2, mitochondrial; plus strand). Cytogenetic location: 1q21.2.
Variant type: single nucleotide variant.
Coding change: c.1312C>G on transcript NM_025150.5 (MANE Select); coding-DNA position 1312, C replaced by G.
Protein change: p.Arg438Gly; replaces arginine 438 with glycine.
Molecular consequence: missense variant. On other transcripts: non-coding transcript variant (2).
Genome position (GRCh38, 1-based): chr1:150,498,575, C>G. VCF-style: chr1-150498575-C-G. GRCh37 (hg19) VCF-style: chr1-150471051-C-G.
Other names: c.1312C>G (NM_025150.3); c.1066C>G, p.Arg356Gly (NM_001271895.2); c.922C>G, p.Arg308Gly (NM_001271896.2); short protein forms R308G, R356G, R438G.
Identifiers: ClinVar variation 1805649 (VCV001805649.6), dbSNP rs201039460, ClinGen allele CA30066649.
Genomic context (GRCh38, chr1:150,498,575, plus strand): 5'-CACCGGCCCAGATCCTGGCGGGAACTGCCCCTGCGACTAGCTGACTTTGGGGCTCTACAC[C>G]GGGCCGAAGCCTCTGGTGGTCTGGGGGGACTGACCCGACTGCGGTGCTTCCAGCAGGATG-3'
Protein context (NP_079426.2, residues 428-448): LRLADFGALH[Arg438Gly]AEASGGLGGL